The following is an entry in ClinVar:

NM_017617.5(NOTCH1):c.7386C>T (p.Pro2462=)

Gene: NOTCH1 (notch receptor 1; minus strand). Cytogenetic location: 9q34.3.
Variant type: single nucleotide variant.
Coding change: c.7386C>T on transcript NM_017617.5 (MANE Select); coding-DNA position 7386, C replaced by T.
Protein change: p.Pro2462=; no amino-acid change (proline 2462 retained).
Molecular consequence: synonymous variant.
Genome position (GRCh38, 1-based): chr9:136,496,353, G>A on the plus strand (C>T on the coding strand, the complement: NOTCH1 is on the minus strand). VCF-style: chr9-136496353-G-A. GRCh37 (hg19) VCF-style: chr9-139390805-G-A.
Other names: c.7386C>T (NM_017617.4); c.7386C>T, p.Pro2462= (LRG_1122t1).
Identifiers: ClinVar variation 508344 (VCV000508344.18), dbSNP rs369470875, ClinGen allele CA5339682.
Genomic context (GRCh38, chr9:136,496,353, plus strand): 5'-CAGGAACTGGGCTGCGGTCACGGGTGGGACCAGCGAGGATGGCAGCGACGTGGGCAGGGC[G>A]GGGCTCTCCTGGGGCAGAATAGTGTGCACCGCCAGGCTGCTGGGGCCCAGTGGCTGCACG-3'
Protein context (NP_060087.3, residues 2452-2472): AVHTILPQES[Pro2462=]ALPTSLPSSL

ClinVar aggregate classification (germline): Likely benign. Review status: criteria provided, multiple submitters, no conflicts (2 of 4 stars). 9 submissions from 8 submitters: Likely benign (8). 1 of the submissions does not count toward it. Last evaluated 2025-11-11.

Conditions:
Familial thoracic aortic aneurysm and aortic dissection (TAAD). Also called: Thoracic aortic aneurysms and dissections. Identifiers: Orphanet 91387, MedGen C4707243, MONDO:0019625.
Aortic valve disease 1 (AOVD1). Identifiers: MedGen C3887892, MONDO:0024523, OMIM 109730.
Adams-Oliver syndrome 5 (AOS5). Identifiers: Orphanet 974, MedGen C4014970, MONDO:0014459, OMIM 616028.
NOTCH1-related disorder. Also called: NOTCH1-related condition; NOTCH1-related disorders.

Allele frequency attached by ClinVar (database versions not stated): ExAC 0.00001; gnomAD exomes 0.00002; gnomAD 0.00004; TOPMed 0.00004; ESP Exome Variant Server 0.00008.
gnomAD v4.1: 162 of 1,593,270 alleles (0.01%); highest among the groups gnomAD compares: Non-Finnish European, 0.013%; no homozygotes.

Submissions (9):

Labcorp Genetics (formerly Invitae), Labcorp
Classification: Likely benign for Adams-Oliver syndrome 5. Last evaluated: 2025-11-11. Review status: criteria provided, single submitter. Criteria: Invitae Variant Classification Sherloc (09022015). Collection method: clinical testing. Allele origin: germline.

Women's Health and Genetics/Laboratory Corporation of America, LabCorp
Classification: Likely benign. Last evaluated: 2024-12-13. Review status: criteria provided, single submitter. Criteria: LabCorp Variant Classification Summary - May 2015. Collection method: clinical testing. Allele origin: germline.

Blueprint Genetics
Classification: Likely benign. Last evaluated: 2024-11-08. Review status: criteria provided, single submitter. Criteria: ACMG Guidelines, 2015. Collection method: clinical testing. Allele origin: germline.

Ambry Genetics
Classification: Likely benign for Familial thoracic aortic aneurysm and aortic dissection. Last evaluated: 2024-02-12. Review status: criteria provided, single submitter. Criteria: Ambry Variant Classification Scheme 2023. Collection method: clinical testing. Allele origin: germline.

Fulgent Genetics
Classification: Likely benign for Aortic valve disease 1; Adams-Oliver syndrome 5. Last evaluated: 2022-03-17. Review status: criteria provided, single submitter. Criteria: ACMG Guidelines, 2015. Collection method: clinical testing. Allele origin: unknown.

Genome-Nilou Lab
Classification: Likely benign for Adams-Oliver syndrome 5. Last evaluated: 2022-03-15. Review status: criteria provided, single submitter. Criteria: ACMG Guidelines, 2015. Collection method: clinical testing. Allele origin: germline. Affected: no.

Genome-Nilou Lab
Classification: Likely benign for Aortic valve disease 1. Last evaluated: 2022-03-15. Review status: criteria provided, single submitter. Criteria: ACMG Guidelines, 2015. Collection method: clinical testing. Allele origin: germline. Affected: no.

GeneDx
Classification: Likely benign. Last evaluated: 2019-07-03. Review status: criteria provided, single submitter. Criteria: GeneDx Variant Classification Process June 2021. Collection method: clinical testing. Allele origin: germline. Affected: yes.

PreventionGenetics, part of Exact Sciences
Classification: Likely benign for NOTCH1-related condition. Last evaluated: 2022-03-31. Review status: no assertion criteria provided. Collection method: clinical testing. Allele origin: germline. Not counted in ClinVar's aggregate classification.
Comment: This variant is classified as likely benign based on ACMG/AMP sequence variant interpretation guidelines (Richards et al. 2015 PMID: 25741868, with internal and published modifications).

Literature cited by the submitters: PubMed 24943832 (cited by Women's Health and Genetics/Laboratory Corporation of America, LabCorp); PubMed 16614245 (cited by Women's Health and Genetics/Laboratory Corporation of America, LabCorp); PubMed 21670202 (cited by Women's Health and Genetics/Laboratory Corporation of America, LabCorp); PubMed 22210878 (cited by Women's Health and Genetics/Laboratory Corporation of America, LabCorp); PubMed 19635999 (cited by Women's Health and Genetics/Laboratory Corporation of America, LabCorp); PubMed 26837699 (cited by Women's Health and Genetics/Laboratory Corporation of America, LabCorp); PubMed 23086750 (cited by Women's Health and Genetics/Laboratory Corporation of America, LabCorp); PubMed 19245433 (cited by Women's Health and Genetics/Laboratory Corporation of America, LabCorp); PubMed 22077063 (cited by Women's Health and Genetics/Laboratory Corporation of America, LabCorp); PubMed 15472075 (cited by Women's Health and Genetics/Laboratory Corporation of America, LabCorp); PubMed 23734977 (cited by Women's Health and Genetics/Laboratory Corporation of America, LabCorp); PubMed 22858860 (cited by Women's Health and Genetics/Laboratory Corporation of America, LabCorp).